The following is an entry in ClinVar:

NM_000256.3(MYBPC3):c.270C>T (p.Phe90=)

Gene: MYBPC3 (myosin binding protein C3; minus strand). Cytogenetic location: 11p11.2.
Variant type: single nucleotide variant.
Coding change: c.270C>T on transcript NM_000256.3 (MANE Select); coding-DNA position 270, C replaced by T.
Protein change: p.Phe90=; no amino-acid change (phenylalanine 90 retained).
Molecular consequence: synonymous variant.
Genome position (GRCh38, 1-based): chr11:47,351,261, G>A on the plus strand (C>T on the coding strand, the complement: MYBPC3 is on the minus strand). VCF-style: chr11-47351261-G-A. GRCh37 (hg19) VCF-style: chr11-47372812-G-A.
Identifiers: ClinVar variation 705515 (VCV000705515.16), dbSNP rs367990952, ClinGen allele CA051267.

ClinVar aggregate classification (germline): Likely benign. Review status: criteria provided, multiple submitters, no conflicts (2 of 4 stars). 5 submissions from 5 submitters: Likely benign (5). Last evaluated 2026-09-01.

Conditions:
Cardiomyopathy (CMYO). Also called: Cardiomyopathies. Identifiers: Orphanet 167848, MedGen C0878544, MONDO:0004994, HP:0001638. Inheritance: Various modes of inheritance.
Cardiovascular phenotype. Identifiers: MedGen CN230736.
Hypertrophic cardiomyopathy. Also called: HYPERTROPHIC MYOCARDIOPATHY. Identifiers: Orphanet 217569, MedGen C0007194, MeSH D002312, MONDO:0005045, HP:0001639.

Allele frequency attached by ClinVar (database versions not stated): gnomAD exomes 0.00001 and 0.00003; gnomAD 0.00004; ExAC 0.00005; TOPMed 0.00005; ESP Exome Variant Server 0.00008.
gnomAD v4.1: 48 of 1,548,184 alleles (0.0031%); highest among the groups gnomAD compares: African/African-American, 0.011%; no homozygotes.

Submissions (5):

CeGaT Center for Human Genetics Tuebingen
Classification: Likely benign. Last evaluated: 2026-09-01. Review status: criteria provided, single submitter. Criteria: CeGaT Center For Human Genetics Tuebingen Variant Classification Criteria Version 2. Collection method: clinical testing. Allele origin: germline. Affected: yes. Observed: 1 variant allele.
Comment: MYBPC3: BP4, BP7

Labcorp Genetics (formerly Invitae), Labcorp
Classification: Likely benign for Hypertrophic cardiomyopathy. Last evaluated: 2025-09-02. Review status: criteria provided, single submitter. Criteria: Invitae Variant Classification Sherloc (09022015). Collection method: clinical testing. Allele origin: germline.

All of Us Research Program, National Institutes of Health
Classification: Likely benign for Hypertrophic cardiomyopathy. Last evaluated: 2024-07-10. Review status: criteria provided, single submitter. Criteria: ACMG Guidelines, 2015. Collection method: clinical testing. Allele origin: germline. Inheritance: Autosomal dominant inheritance. Observed: 2 variant alleles, 2 heterozygotes.
Comment: This study involves interpretation of variants in research participants for the purpose of population health screening. Participant phenotype was not available at the time of variant classification. Additional details can be found in publication PMID: 35346344, PMCID: PMC8962531

Color Diagnostics, LLC DBA Color Health
Classification: Likely benign for Cardiomyopathy. Last evaluated: 2022-05-05. Review status: criteria provided, single submitter. Criteria: ACMG Guidelines, 2015. Collection method: clinical testing. Allele origin: germline.

Ambry Genetics
Classification: Likely benign for Cardiovascular phenotype. Last evaluated: 2019-10-07. Review status: criteria provided, single submitter. Criteria: Ambry Variant Classification Scheme 2023. Collection method: clinical testing. Allele origin: germline.